The following is an entry in ClinVar:

NM_138576.4(BCL11B):c.886G>A (p.Gly296Ser)

Gene: BCL11B (BCL11 transcription factor B; minus strand). Cytogenetic location: 14q32.2.
Variant type: single nucleotide variant.
Coding change: c.886G>A on transcript NM_138576.4 (MANE Select); coding-DNA position 886, G replaced by A.
Protein change: p.Gly296Ser; replaces glycine 296 with serine.
Molecular consequence: missense variant.
Genome position (GRCh38, 1-based): chr14:99,175,950, C>T on the plus strand (G>A on the coding strand, the complement: BCL11B is on the minus strand). VCF-style: chr14-99175950-C-T. GRCh37 (hg19) VCF-style: chr14-99642287-C-T.
Other names: c.883G>A, p.Gly295Ser (NM_001282237.2); c.670G>A, p.Gly224Ser (NM_001282238.2); c.673G>A, p.Gly225Ser (NM_022898.3); short protein forms G224S, G225S, G295S, G296S.
Identifiers: ClinVar variation 3025996 (VCV003025996.22), dbSNP rs763710027, ClinGen allele CA7339774.

ClinVar aggregate classification (germline): Uncertain significance (1 of 4 stars; one submission).

Allele frequency attached by ClinVar (database versions not stated): gnomAD exomes below 0.00001.
gnomAD v4.1: 3 of 1,458,034 alleles (0.00021%); highest among the groups gnomAD compares: South Asian, 0.0029%; no homozygotes.

Submission:

CeGaT Center for Human Genetics Tuebingen
Classification: Uncertain significance. Last evaluated: 2024-01-01. Review status: criteria provided, single submitter. Criteria: CeGaT Center For Human Genetics Tuebingen Variant Classification Criteria Version 2. Collection method: clinical testing. Allele origin: germline. Affected: yes. Observed: 1 variant allele.
Comment: BCL11B: PM2, PP2